The following is an entry in ClinVar:

ClinVar aggregate classification (germline): Uncertain significance (1 of 4 stars; one submission).

Conditions:
Congenital disorder of deglycosylation 2 (CDDG2). Identifiers: MedGen C5676931, MONDO:0030770, OMIM 619775.

Submission:

3billion
Classification: Uncertain significance for Congenital disorder of deglycosylation 2. Last evaluated: 2022-05-22. Review status: criteria provided, single submitter. Criteria: ACMG Guidelines, 2015. Collection method: clinical testing. Allele origin: germline. Affected: yes. Observed: 1 heterozygote.
Comment: The variant is not observed in the gnomAD v2.1.1 dataset. Canonical splice site: predicted to alter splicing and result in a loss or disruption of normal protein function. The predicted truncated protein may be shortened by less than 10%. Therefore, this variant is classified as uncertain significanceaccording to the recommendation of ACMG/AMP guideline.

NM_006715.4(MAN2C1):c.2997-1G>T

Genes: MAN2C1 (mannosidase alpha class 2C member 1; minus strand), NEIL1 (nei like DNA glycosylase 1; plus strand). Cytogenetic location: 15q24.2.
Variant type: single nucleotide variant.
Coding change: c.2997-1G>T on transcript NM_006715.4 (MANE Select); the canonical splice acceptor site of the intron before coding-DNA position 2997, G replaced by T.
Molecular consequence: splice acceptor variant. On other transcripts: 3 prime UTR variant (2), non-coding transcript variant (1).
Genome position (GRCh38, 1-based): chr15:75,356,033, C>A on the plus strand (G>T on the coding strand, the complement: MAN2C1 is on the minus strand). VCF-style: chr15-75356033-C-A. GRCh37 (hg19) VCF-style: chr15-75648374-C-A.
Other names: c.*999C>A (NM_001352520.2, NM_024608.4); c.2700-1G>T (NM_001256496.2); c.2928-1G>T (NM_001256495.2); c.3048-1G>T (NM_001256494.2).
Identifiers: ClinVar variation 1687203 (VCV001687203.1), dbSNP rs768248874, ClinGen allele CA393456048.
Genomic context (GRCh38, chr15:75,356,033, plus strand): 5'-AGGCGGTTGTCCCGAAGGGTCAAGTGGCCAGCAGGGTCTGGTCGCTCCAAGAGATCGCAG[C>A]TGGAGAACAGGAGGGGCCATGAAGGCTCTGCGAGGGCGAGACTCGACCCCCGCCCCAATC-3'